The following is an entry in ClinVar:

NM_014233.4(UBTF):c.335C>T (p.Pro112Leu)

Genes: ATXN7L3-AS1 (ATXN7L3 antisense RNA 1; plus strand), UBTF (upstream binding transcription factor; minus strand). Cytogenetic location: 17q21.31.
Variant type: single nucleotide variant.
Coding change: c.335C>T on transcript NM_014233.4 (MANE Select); coding-DNA position 335, C replaced by T.
Protein change: p.Pro112Leu; replaces proline 112 with leucine.
Molecular consequence: missense variant. On other transcripts: non-coding transcript variant (1).
Genome position (GRCh38, 1-based): chr17:44,215,793, G>A on the plus strand (C>T on the coding strand, the complement: UBTF is on the minus strand). VCF-style: chr17-44215793-G-A. GRCh37 (hg19) VCF-style: chr17-42293161-G-A.
Other names: c.335C>T, p.Pro112Leu (NM_001076683.2, NM_001076684.3); short protein forms P112L.
Identifiers: ClinVar variation 3343426 (VCV003343426.1).
Genomic context (GRCh38, chr17:44,215,793, plus strand): 5'-TTCGCATACTTGGCCCGCTTCTCCATGAAGAAGCGGAAATAAGGGGTCAGGGGCTTCTTT[G>A]GGAAGTCTGGGTGTTTCTGGAAGAAGGGACAAGGACACAATGGAGGTCAAATACATCCCT-3'
Protein context (NP_055048.1, residues 102-122): GKKLKKHPDF[Pro112Leu]KKPLTPYFRF

ClinVar aggregate classification (germline): Uncertain significance (1 of 4 stars; one submission).

Submission:

GeneDx
Classification: Uncertain significance. Last evaluated: 2023-05-19. Review status: criteria provided, single submitter. Criteria: GeneDx Variant Classification Process June 2021. Collection method: clinical testing. Allele origin: germline. Affected: yes.
Comment: Not observed at significant frequency in large population cohorts (gnomAD); In silico analysis supports that this missense variant has a deleterious effect on protein structure/function; Has not been previously published as pathogenic or benign to our knowledge